The following is an entry in ClinVar:

ClinVar aggregate classification (germline): Uncertain significance (1 of 4 stars; one submission).

Allele frequency attached by ClinVar (database versions not stated): gnomAD exomes below 0.00001.
gnomAD v4.1: 1 of 1,613,914 alleles (0.000062%); highest among the groups gnomAD compares: Non-Finnish European, 0.000085%; no homozygotes.

Submission:

Labcorp Genetics (formerly Invitae), Labcorp
Classification: Uncertain significance. Last evaluated: 2021-04-11. Review status: criteria provided, single submitter. Criteria: Invitae Variant Classification Sherloc (09022015). Collection method: clinical testing. Allele origin: germline.
Comment: This sequence change replaces glutamic acid with glycine at codon 961 of the MSH3 protein (p.Glu961Gly). The glutamic acid residue is moderately conserved and there is a moderate physicochemical difference between glutamic acid and glycine. This variant is not present in population databases (ExAC no frequency). This variant has not been reported in the literature in individuals with MSH3-related conditions. Algorithms developed to predict the effect of missense changes on protein structure and function are either unavailable or do not agree on the potential impact of this missense change (SIFT: "Deleterious"; PolyPhen-2: "Benign"; Align-GVGD: "Class C0"). In summary, the available evidence is currently insufficient to determine the role of this variant in disease. Therefore, it has been classified as a Variant of Uncertain Significance.

NM_002439.5(MSH3):c.2882A>G (p.Glu961Gly)

Gene: MSH3 (mutS homolog 3; plus strand). Cytogenetic location: 5q14.1.
Variant type: single nucleotide variant.
Coding change: c.2882A>G on transcript NM_002439.5 (MANE Select); coding-DNA position 2882, A replaced by G.
Protein change: p.Glu961Gly; replaces glutamic acid 961 with glycine.
Molecular consequence: missense variant.
Genome position (GRCh38, 1-based): chr5:80,854,198, A>G. VCF-style: chr5-80854198-A-G. GRCh37 (hg19) VCF-style: chr5-80150017-A-G.
Other names: short protein forms E961G.
Identifiers: ClinVar variation 1345922 (VCV001345922.8), dbSNP rs2112106401, ClinGen allele CA360275608.